The following is an entry in ClinVar:

NM_000179.3(MSH6):c.1239G>C (p.Trp413Cys)

Gene: MSH6 (mutS homolog 6; plus strand). Cytogenetic location: 2p16.3.
Variant type: single nucleotide variant.
Coding change: c.1239G>C on transcript NM_000179.3 (MANE Select); coding-DNA position 1239, G replaced by C.
Protein change: p.Trp413Cys; replaces tryptophan 413 with cysteine.
Molecular consequence: missense variant.
Genome position (GRCh38, 1-based): chr2:47,799,222, G>C. VCF-style: chr2-47799222-G-C. GRCh37 (hg19) VCF-style: chr2-48026361-G-C.
Other names: c.849G>C, p.Trp283Cys (NM_001281492.2); c.333G>C, p.Trp111Cys (NM_001281493.2, NM_001281494.2); short protein forms W413C, W111C, W283C.
Identifiers: ClinVar variation 428352 (VCV000428352.14), dbSNP rs1114167736, ClinGen allele CA346743733.
Genomic context (GRCh38, chr2:47,799,222, plus strand): 5'-ATCTACACTCTATGTGCCTGAGGATTTCCTCAATTCTTGTACTCCTGGGATGAGGAAGTG[G>C]TGGCAGATTAAGTCTCAGAACTTTGATCTTGTCATCTGTTACAAGGTGGGGAAATTTTAT-3'
Protein context (NP_000170.1, residues 403-423): LNSCTPGMRK[Trp413Cys]WQIKSQNFDL

ClinVar aggregate classification (germline): Pathogenic/Likely pathogenic. Review status: criteria provided, multiple submitters, no conflicts (2 of 4 stars). 2 submissions from 2 submitters: Pathogenic (1); Likely pathogenic (1). Last evaluated 2024-09-30.

Conditions:
Hereditary cancer-predisposing syndrome. Also called: Hereditary Cancer Syndrome; Neoplastic Syndromes, Hereditary; Hereditary neoplastic syndrome; Tumor predisposition. Identifiers: Orphanet 140162, MedGen C0027672, MeSH D009386, MONDO:0015356.
Hereditary nonpolyposis colorectal neoplasms. Identifiers: MedGen C0009405, MeSH D003123.

Submissions (2):

Labcorp Genetics (formerly Invitae), Labcorp
Classification: Pathogenic for Hereditary nonpolyposis colorectal neoplasms. Last evaluated: 2024-09-30. Review status: criteria provided, single submitter. Criteria: Invitae Variant Classification Sherloc (09022015). Collection method: clinical testing. Allele origin: germline.
Comment: This sequence change replaces tryptophan, which is neutral and slightly polar, with cysteine, which is neutral and slightly polar, at codon 413 of the MSH6 protein (p.Trp413Cys). This variant is not present in population databases (gnomAD no frequency). This missense change has been observed in individuals with clinical features of Lynch syndrome (PMID: 28135145; external communication, internal data). ClinVar contains an entry for this variant (Variation ID: 428352). Invitae Evidence Modeling of protein sequence and biophysical properties (such as structural, functional, and spatial information, amino acid conservation, physicochemical variation, residue mobility, and thermodynamic stability) indicates that this missense variant is expected to disrupt MSH6 protein function with a positive predictive value of 95%. This variant disrupts the p.Trp413 amino acid residue in MSH6. Other variant(s) that disrupt this residue have been observed in individuals with MSH6-related conditions (internal data), which suggests that this may be a clinically significant amino acid residue. For these reasons, this variant has been classified as Pathogenic.

Ambry Genetics
Classification: Likely pathogenic for Hereditary cancer-predisposing syndrome. Last evaluated: 2024-08-20. Review status: criteria provided, single submitter. Criteria: Ambry Variant Classification Scheme 2023. Collection method: clinical testing. Allele origin: germline.
Comment: The p.W413C variant (also known as c.1239G>C), located in coding exon 4 of the MSH6 gene, results from a G to C substitution at nucleotide position 1239. The tryptophan at codon 413 is replaced by cysteine, an amino acid with highly dissimilar properties. This variant has been reported in an individual affected with colorectal cancer (Yurgelun MB et al. J Clin Oncol, 2017 Apr;35:1086-1095). This variant has also been identified in a probands whose Lynch syndrome-associated tumor demonstrated high microsatellite instability and/or loss of MSH6 expression by immunohistochemistry (Li S et al. J. Med. Genet. 2020 Jan;57:62-69; External communication, Ambry internal data).This amino acid position is highly conserved in available vertebrate species. In addition, this alteration is predicted to be deleterious by in silico analysis. Based on internal structural analysis, p.W413C is considered deleterious (Ambry internal data). This variant is considered to be rare based on population cohorts in the Genome Aggregation Database (gnomAD).Based on the majority of available evidence to date, this variant is likely to be pathogenic.

Literature cited by the submitters: PubMed 28135145 (cited by Labcorp Genetics (formerly Invitae), Labcorp and Ambry Genetics).